The following is an entry in ClinVar:

ClinVar aggregate classification (germline): Uncertain significance (1 of 4 stars; one submission).

gnomAD v4.1: 3 of 1,610,398 alleles (0.00019%); highest among the groups gnomAD compares: South Asian, 0.0022%; no homozygotes.

Submission:

Labcorp Genetics (formerly Invitae), Labcorp
Classification: Uncertain significance. Last evaluated: 2024-06-05. Review status: criteria provided, single submitter. Criteria: Invitae Variant Classification Sherloc (09022015). Collection method: clinical testing. Allele origin: germline.
Comment: This sequence change replaces proline, which is neutral and non-polar, with leucine, which is neutral and non-polar, at codon 58 of the MYO7A protein (p.Pro58Leu). This variant is present in population databases (no rsID available, gnomAD 0.006%). This variant has not been reported in the literature in individuals affected with MYO7A-related conditions. Advanced modeling of protein sequence and biophysical properties (such as structural, functional, and spatial information, amino acid conservation, physicochemical variation, residue mobility, and thermodynamic stability) performed at Invitae indicates that this missense variant is not expected to disrupt MYO7A protein function with a negative predictive value of 95%. In summary, the available evidence is currently insufficient to determine the role of this variant in disease. Therefore, it has been classified as a Variant of Uncertain Significance.

NM_000260.4(MYO7A):c.173C>T (p.Pro58Leu)

Gene: MYO7A (myosin VIIA; plus strand). Cytogenetic location: 11q13.5.
Variant type: single nucleotide variant.
Coding change: c.173C>T on transcript NM_000260.4 (MANE Select); coding-DNA position 173, C replaced by T.
Protein change: p.Pro58Leu; replaces proline 58 with leucine.
Molecular consequence: missense variant.
Genome position (GRCh38, 1-based): chr11:77,147,838, C>T. VCF-style: chr11-77147838-C-T. GRCh37 (hg19) VCF-style: chr11-76858884-C-T.
Other names: c.173C>T, p.Pro58Leu (NM_001127180.2); c.140C>T, p.Pro47Leu (NM_001369365.1); short protein forms P47L, P58L.
Identifiers: ClinVar variation 3718916 (VCV003718916.2).
Genomic context (GRCh38, chr11:77,147,838, plus strand): 5'-GACGTTCTGGCTCCCCGCAGGAACACTGGATCTCTCCGCAGAACGCAACGCACATCAAGC[C>T]TATGCACCCCACGTCGGTCCACGGCGTGGAGGACATGATCCGCCTGGGGGACCTCAACGA-3'
Protein context (NP_000251.3, residues 48-68): ISPQNATHIK[Pro58Leu]MHPTSVHGVE